The following is an entry in ClinVar:

ClinVar aggregate classification (germline): Conflicting classifications of pathogenicity. Review status: criteria provided, conflicting classifications (1 of 4 stars). 2 submissions from 2 submitters: Likely pathogenic (1); Uncertain significance (1). Last evaluated 2026-08-27.

Conditions:
Familial adenomatous polyposis 2. Also called: MUTYH-related attenuated familial adenomatous polyposis; MUTYH-associated polyposis; MUTYH Polyposis; FAP type 2; COLORECTAL ADENOMATOUS POLYPOSIS, AUTOSOMAL RECESSIVE; ADENOMAS, MULTIPLE COLORECTAL, AUTOSOMAL RECESSIVE. Identifiers: Orphanet 220460, Orphanet 247798, MedGen C3272841, MONDO:0012041, OMIM 608456.
MUTYH-related disorder. Also called: MUTYH-related disorders; MUTYH-related condition.

Submissions (2):

Myriad Genetics, Inc.
Classification: Likely pathogenic for Familial adenomatous polyposis 2. Last evaluated: 2026-08-27. Review status: criteria provided, single submitter. Criteria: Myriad Autosomal Dominant, Autosomal Recessive and X-Linked Classification Criteria (2023). Collection method: clinical testing. Allele origin: unknown.
Comment: This variant is considered likely pathogenic. Functional studies indicate this variant impacts protein function [PMID: 40738107]. This variant is expected to disrupt protein structure [Myriad internal data].

PreventionGenetics, part of Exact Sciences
Classification: Uncertain significance for MUTYH-related condition. Last evaluated: 2023-02-10. Review status: criteria provided, single submitter. Criteria: ACMG Guidelines, 2015. Collection method: clinical testing. Allele origin: germline.
Comment: The MUTYH c.898T>C variant is predicted to result in the amino acid substitution p.Cys300Arg. To our knowledge, this variant has not been reported in the literature or in a large population database, indicating this variant is rare. At this time, the clinical significance of this variant is uncertain due to the absence of conclusive functional and genetic evidence.

Literature cited by the submitters: PubMed 40738107 (cited by Myriad Genetics, Inc.).

NM_001048174.2(MUTYH):c.814T>C (p.Cys272Arg)

Gene: MUTYH (mutY DNA glycosylase; minus strand). Cytogenetic location: 1p34.1.
Variant type: single nucleotide variant.
Coding change: c.814T>C on transcript NM_001048174.2 (MANE Select); coding-DNA position 814, T replaced by C.
Protein change: p.Cys272Arg; replaces cysteine 272 with arginine.
Molecular consequence: missense variant. On other transcripts: non-coding transcript variant (7).
Genome position (GRCh38, 1-based): chr1:45,332,201, A>G on the plus strand (T>C on the coding strand, the complement: MUTYH is on the minus strand). VCF-style: chr1-45332201-A-G. GRCh37 (hg19) VCF-style: chr1-45797873-A-G.
Other names: c.814T>C, p.Cys272Arg (NM_001048171.2, NM_001048173.2, NM_001293195.2 and 6 more transcripts); c.817T>C, p.Cys273Arg (NM_001048172.2, NM_001407078.1, NM_001407086.1 and 1 more transcripts); c.898T>C, p.Cys300Arg (NM_001128425.2); c.859T>C, p.Cys287Arg (NM_001293190.2); c.847T>C, p.Cys283Arg (NM_001293191.2, NM_001407069.1, NM_001407077.1); c.538T>C, p.Cys180Arg (NM_001293192.2, NM_001407091.1, NM_001293196.2); c.775T>C, p.Cys259Arg (NM_001407079.1); c.772T>C, p.Cys258Arg (NM_001407080.1); and 5 more; short protein forms C157R, C180R, C244R, C258R, C259R, C272R, C273R, C279R.
Identifiers: ClinVar variation 2630561 (VCV002630561.2), dbSNP rs2524073889, ClinGen allele CA340134407.
Genomic context (GRCh38, chr1:45,332,201, plus strand): 5'-ACTGCCCCTTCCCCAGTAGGCTTACTCTCTGGCGTGCCCGGCACAGGCTCTCCACAGGGC[A>G]CTGGCTGCACAGTGGGCGCTGTGGGGTACACACTGTGGCCCCTAGCTCCATGGCTGCTTG-3'
Protein context (NP_001041639.1, residues 262-282): CTPQRPLCSQ[Cys272Arg]PVESLCRARQ